The following is an entry in ClinVar:

ClinVar aggregate classification (germline): Likely benign. Review status: criteria provided, multiple submitters, no conflicts (2 of 4 stars). 3 submissions from 3 submitters: Likely benign (2). 1 of the submissions does not count toward it. Last evaluated 2024-11-01.

Conditions:
ZNF750-related disorder. Also called: ZNF750-related condition.

Allele frequency attached by ClinVar (database versions not stated): gnomAD 0.00001; gnomAD exomes 0.00001; ExAC 0.00002.
gnomAD v4.1: 16 of 1,614,038 alleles (0.00099%); highest among the groups gnomAD compares: Admixed American, 0.0017%; no homozygotes.

Submissions (3):

CeGaT Center for Human Genetics Tuebingen
Classification: Likely benign. Last evaluated: 2024-11-01. Review status: criteria provided, single submitter. Criteria: CeGaT Center For Human Genetics Tuebingen Variant Classification Criteria Version 2. Collection method: clinical testing. Allele origin: germline. Affected: yes. Observed: 1 variant allele.
Comment: ZNF750: BP4, BP7

Blueprint Genetics
Classification: Likely benign. Last evaluated: 2023-02-21. Review status: criteria provided, single submitter. Criteria: ACMG Guidelines, 2015. Collection method: clinical testing. Allele origin: germline.

PreventionGenetics, part of Exact Sciences
Classification: Likely benign for ZNF750-related condition. Last evaluated: 2019-05-02. Review status: no assertion criteria provided. Collection method: clinical testing. Allele origin: germline. Not counted in ClinVar's aggregate classification.
Comment: This variant is classified as likely benign based on ACMG/AMP sequence variant interpretation guidelines (Richards et al. 2015 PMID: 25741868, with internal and published modifications).

NM_024702.3(ZNF750):c.828C>T (p.Tyr276=)

Genes: TBCD (tubulin folding cofactor D), ZNF750 (zinc finger protein 750; minus strand). Cytogenetic location: 17q25.3.
Variant type: single nucleotide variant.
Coding change: c.828C>T on transcript NM_024702.3 (MANE Select); coding-DNA position 828, C replaced by T.
Protein change: p.Tyr276=; no amino-acid change (tyrosine 276 retained).
Molecular consequence: synonymous variant. On other transcripts: intron variant (3).
Genome position (GRCh38, 1-based): chr17:82,831,627, G>A on the plus strand (C>T on the coding strand, the complement: ZNF750 is on the minus strand). VCF-style: chr17-82831627-G-A. GRCh37 (hg19) VCF-style: chr17-80789503-G-A.
Other names: c.1318+16693G>A (NM_005993.5, NM_001411102.1); c.1267+16693G>A (NM_001411101.1).
Identifiers: ClinVar variation 3056258 (VCV003056258.17), dbSNP rs758289635, ClinGen allele CA8862349.